The following is an entry in ClinVar:

ClinVar aggregate classification (germline): Pathogenic (1 of 4 stars; one submission).

Conditions:
Loeys-Dietz syndrome 6. Identifiers: MedGen C5562041, MONDO:0030500, OMIM 619656.

Submission:

Institute of Human Genetics, University of Leipzig Medical Center
Classification: Pathogenic for Loeys-Dietz syndrome 6. Last evaluated: 2025-07-28. Review status: criteria provided, single submitter. Criteria: ACMG Guidelines, 2015. Collection method: clinical testing. Allele origin: unknown. Inheritance: Autosomal dominant inheritance. Affected: yes.
Comment: Criteria applied: PVS1,PM2

NM_005901.6(SMAD2):c.880C>T (p.Gln294Ter)

Gene: SMAD2 (SMAD family member 2; minus strand). Cytogenetic location: 18q21.1.
Variant type: single nucleotide variant.
Coding change: c.880C>T on transcript NM_005901.6 (MANE Select); coding-DNA position 880, C replaced by T.
Protein change: p.Gln294Ter; replaces glutamine 294 with a stop codon.
Molecular consequence: nonsense.
Genome position (GRCh38, 1-based): chr18:47,848,592, G>A on the plus strand (C>T on the coding strand, the complement: SMAD2 is on the minus strand). VCF-style: chr18-47848592-G-A. GRCh37 (hg19) VCF-style: chr18-45374963-G-A.
Other names: c.880C>T, p.Gln294Ter (NM_001003652.4); c.790C>T, p.Gln264Ter (NM_001135937.3); short protein forms Q264*, Q294*.
Identifiers: ClinVar variation 4082329 (VCV004082329.1).